The following is an entry in ClinVar:

ClinVar aggregate classification (germline): Uncertain significance. Review status: criteria provided, multiple submitters, no conflicts (2 of 4 stars). 2 submissions from 2 submitters: Uncertain significance (2). Last evaluated 2024-04-13.

Conditions:
Hereditary cancer-predisposing syndrome. Also called: Hereditary Cancer Syndrome; Tumor predisposition; Hereditary neoplastic syndrome; Neoplastic Syndromes, Hereditary. Identifiers: Orphanet 140162, MedGen C0027672, MeSH D009386, MONDO:0015356.

Submissions (2):

Labcorp Genetics (formerly Invitae), Labcorp
Classification: Uncertain significance. Last evaluated: 2024-04-13. Review status: criteria provided, single submitter. Criteria: Invitae Variant Classification Sherloc (09022015). Collection method: clinical testing. Allele origin: germline.
Comment: This sequence change replaces leucine, which is neutral and non-polar, with proline, which is neutral and non-polar, at codon 710 of the POLE protein (p.Leu710Pro). This variant is not present in population databases (gnomAD no frequency). This variant has not been reported in the literature in individuals affected with POLE-related conditions. ClinVar contains an entry for this variant (Variation ID: 647105). Advanced modeling of protein sequence and biophysical properties (such as structural, functional, and spatial information, amino acid conservation, physicochemical variation, residue mobility, and thermodynamic stability) performed at Invitae indicates that this missense variant is expected to disrupt POLE protein function with a positive predictive value of 80%. In summary, the available evidence is currently insufficient to determine the role of this variant in disease. Therefore, it has been classified as a Variant of Uncertain Significance.

Ambry Genetics
Classification: Uncertain significance for Hereditary cancer-predisposing syndrome. Last evaluated: 2022-07-26. Review status: criteria provided, single submitter. Criteria: Ambry Variant Classification Scheme 2023. Collection method: clinical testing. Allele origin: germline.
Comment: The p.L710P variant (also known as c.2129T>C), located in coding exon 19 of the POLE gene, results from a T to C substitution at nucleotide position 2129. The leucine at codon 710 is replaced by proline, an amino acid with similar properties. This amino acid position is conserved. In addition, this alteration is predicted to be deleterious by in silico analysis. Since supporting evidence is limited at this time, the clinical significance of this alteration remains unclear.

NM_006231.4(POLE):c.2129T>C (p.Leu710Pro)

Gene: POLE (DNA polymerase epsilon, catalytic subunit; minus strand). Cytogenetic location: 12q24.33.
Variant type: single nucleotide variant.
Coding change: c.2129T>C on transcript NM_006231.4 (MANE Select); coding-DNA position 2129, T replaced by C.
Protein change: p.Leu710Pro; replaces leucine 710 with proline.
Molecular consequence: missense variant.
Genome position (GRCh38, 1-based): chr12:132,668,400, A>G on the plus strand (T>C on the coding strand, the complement: POLE is on the minus strand). VCF-style: chr12-132668400-A-G. GRCh37 (hg19) VCF-style: chr12-133244986-A-G.
Other names: short protein forms L710P.
Identifiers: ClinVar variation 647105 (VCV000647105.9), dbSNP rs1439500617, ClinGen allele CA387353783.